The following is an entry in ClinVar:

ClinVar aggregate classification (germline): Uncertain significance (1 of 4 stars; one submission).

Conditions:
Autosomal recessive limb-girdle muscular dystrophy type 2J (LGMDR10). Also called: Limb-girdle muscular dystrophy, type 2J; MUSCULAR DYSTROPHY, LIMB-GIRDLE, AUTOSOMAL RECESSIVE 10. Identifiers: Orphanet 140922, MedGen C1837342, MONDO:0012127, OMIM 608807.
Dilated cardiomyopathy 1G (CMD1G). Identifiers: Orphanet 154, MedGen C1858763, MONDO:0011400, OMIM 604145.

Submission:

Labcorp Genetics (formerly Invitae), Labcorp
Classification: Uncertain significance for Dilated cardiomyopathy 1G; Autosomal recessive limb-girdle muscular dystrophy type 2J. Last evaluated: 2025-04-30. Review status: criteria provided, single submitter. Criteria: Invitae Variant Classification Sherloc (09022015). Collection method: clinical testing. Allele origin: germline.
Comment: This sequence change replaces glutamic acid, which is acidic and polar, with lysine, which is basic and polar, at codon 35516 of the TTN protein (p.Glu35516Lys). This variant is not present in population databases (gnomAD no frequency). This variant has not been reported in the literature in individuals affected with TTN-related conditions. ClinVar contains an entry for this variant (Variation ID: 2931289). Experimental studies and prediction algorithms are not available or were not evaluated, and the functional significance of this variant is currently unknown. This variant is located in the M band of TTN (PMID: 25589632). Non-truncating variants in this region may be relevant for neuromuscular disorders, but have not been definitively shown to cause cardiomyopathy (PMID: 23975875). In summary, the available evidence is currently insufficient to determine the role of this variant in disease. Therefore, it has been classified as a Variant of Uncertain Significance.

Literature cited by the submitters: PubMed 25589632; PubMed 23975875.

NM_001267550.2(TTN):c.106546G>A (p.Glu35516Lys)

Genes: TTN-AS1 (TTN antisense RNA 1; plus strand), TTN (titin; minus strand). Cytogenetic location: 2q31.2.
Variant type: single nucleotide variant.
Coding change: c.106546G>A on transcript NM_001267550.2 (MANE Select); coding-DNA position 106546, G replaced by A.
Protein change: p.Glu35516Lys; replaces glutamic acid 35516 with lysine.
Molecular consequence: missense variant.
Genome position (GRCh38, 1-based): chr2:178,529,205, C>T on the plus strand (G>A on the coding strand, the complement: TTN is on the minus strand). VCF-style: chr2-178529205-C-T. GRCh37 (hg19) VCF-style: chr2-179393932-C-T.
Other names: c.101623G>A, p.Glu33875Lys (NM_001256850.1); c.79351G>A, p.Glu26451Lys (NM_003319.4); c.98842G>A, p.Glu32948Lys (NM_133378.4); c.79726G>A, p.Glu26576Lys (NM_133432.3); c.79927G>A, p.Glu26643Lys (NM_133437.4); short protein forms E26451K, E26576K, E35516K, E26643K, E33875K, E32948K.
Identifiers: ClinVar variation 2931289 (VCV002931289.3), dbSNP rs1304842966, ClinGen allele CA349404484.